The following is an entry in ClinVar:

ClinVar aggregate classification (germline): Uncertain significance. Review status: criteria provided, multiple submitters, no conflicts (2 of 4 stars). 3 submissions from 3 submitters: Uncertain significance (3). Last evaluated 2025-01-29.

Allele frequency attached by ClinVar (database versions not stated): ExAC 0.00003; gnomAD 0.00003; TOPMed 0.00005; gnomAD exomes 0.00007.

Submissions (3):

Ambry Genetics
Classification: Uncertain significance. Last evaluated: 2025-01-29. Review status: criteria provided, single submitter. Criteria: Ambry Variant Classification Scheme 2023. Collection method: clinical testing. Allele origin: germline.

Labcorp Genetics (formerly Invitae), Labcorp
Classification: Uncertain significance. Last evaluated: 2024-10-29. Review status: criteria provided, single submitter. Criteria: Invitae Variant Classification Sherloc (09022015). Collection method: clinical testing. Allele origin: germline.
Comment: This sequence change replaces alanine, which is neutral and non-polar, with valine, which is neutral and non-polar, at codon 221 of the SLC25A3 protein (p.Ala221Val). This variant is present in population databases (rs202241756, gnomAD 0.007%). This variant has not been reported in the literature in individuals affected with SLC25A3-related conditions. ClinVar contains an entry for this variant (Variation ID: 2037095). An algorithm developed to predict the effect of missense changes on protein structure and function (PolyPhen-2) suggests that this variant¬†is likely to be tolerated. In summary, the available evidence is currently insufficient to determine the role of this variant in disease. Therefore, it has been classified as a Variant of Uncertain Significance.

Mayo Clinic Laboratories, Mayo Clinic
Classification: Uncertain significance. Last evaluated: 2024-08-12. Review status: criteria provided, single submitter. Criteria: ACMG Guidelines, 2015. Collection method: clinical testing. Allele origin: germline. Observed: 2 variant alleles.

NM_002635.4(SLC25A3):c.659C>T (p.Ala220Val)

Gene: SLC25A3 (solute carrier family 25 member 3; plus strand). Cytogenetic location: 12q23.1.
Variant type: single nucleotide variant.
Coding change: c.659C>T on transcript NM_002635.4 (MANE Select); coding-DNA position 659, C replaced by T.
Protein change: p.Ala220Val; replaces alanine 220 with valine.
Molecular consequence: missense variant.
Genome position (GRCh38, 1-based): chr12:98,599,972, C>T. VCF-style: chr12-98599972-C-T. GRCh37 (hg19) VCF-style: chr12-98993750-C-T.
Other names: p.Ala221Val; c.662C>T, p.Ala221Val (NM_005888.4); c.659C>T, p.Ala220Val (NM_213611.3); short protein forms A220V, A221V.
Identifiers: ClinVar variation 2037095 (VCV002037095.5), dbSNP rs202241756, ClinGen allele CA322302.